The following is an entry in ClinVar:

NM_000059.4(BRCA2):c.978C>T (p.Ser326=)

Gene: BRCA2 (BRCA2 DNA repair associated; plus strand). Cytogenetic location: 13q13.1.
Variant type: single nucleotide variant.
Coding change: c.978C>T on transcript NM_000059.4 (MANE Select); coding-DNA position 978, C replaced by T.
Protein change: p.Ser326=; no amino-acid change (serine 326 retained).
Molecular consequence: synonymous variant.
Genome position (GRCh38, 1-based): chr13:32,332,456, C>T. VCF-style: chr13-32332456-C-T. GRCh37 (hg19) VCF-style: chr13-32906593-C-T.
Identifiers: ClinVar variation 462536 (VCV000462536.11), dbSNP rs28897706, ClinGen allele CA483436433.

ClinVar aggregate classification (germline): Conflicting classifications of pathogenicity. Review status: criteria provided, conflicting classifications (1 of 4 stars). 3 submissions from 3 submitters: Uncertain significance (1); Likely benign (2). Last evaluated 2024-05-04.

Conditions:
Hereditary cancer-predisposing syndrome. Also called: Neoplastic Syndromes, Hereditary; Hereditary Cancer Syndrome; Hereditary neoplastic syndrome; Tumor predisposition. Identifiers: Orphanet 140162, MedGen C0027672, MeSH D009386, MONDO:0015356.
Hereditary breast ovarian cancer syndrome. Also called: Hereditary breast and ovarian cancer syndrome (HBOC); Hereditary breast and ovarian cancer syndrome; Breast and ovarian cancer; Hereditary breast and/or ovarian cancer syndrome; Hereditary breast and ovarian cancer; BRCA1- and BRCA2-Associated Hereditary Breast and Ovarian Cancer. Identifiers: Orphanet 145, MedGen C0677776, MeSH D061325, MONDO:0003582. Disease mechanism: loss of function.

Submissions (3):

Labcorp Genetics (formerly Invitae), Labcorp
Classification: Likely benign for Hereditary breast ovarian cancer syndrome. Last evaluated: 2024-05-04. Review status: criteria provided, single submitter. Criteria: Invitae Variant Classification Sherloc (09022015). Collection method: clinical testing. Allele origin: germline.

Quest Diagnostics Nichols Institute San Juan Capistrano
Classification: Uncertain significance. Last evaluated: 2024-04-16. Review status: criteria provided, single submitter. Criteria: Quest Diagnostics criteria. Collection method: clinical testing. Allele origin: unknown.
Comment: The BRCA2 c.978C>T (p.Ser326=) synonymous variant has not been reported in individuals with BRCA2-related conditions in the published literature. It also has not been reported in large, multi-ethnic general populations (Genome Aggregation Database). Analysis of this variant using software algorithms for the prediction of the effect of nucleotide changes on BRCA2 mRNA splicing yielded predictions that this variant may result in the gain of a cryptic splice site without affecting the natural splice sites. Based on the available information, we are unable to determine the clinical significance of this variant.

Ambry Genetics
Classification: Likely benign for Hereditary cancer-predisposing syndrome. Last evaluated: 2024-01-19. Review status: criteria provided, single submitter. Criteria: Ambry Variant Classification Scheme 2023. Collection method: clinical testing. Allele origin: germline.